The following is an entry in ClinVar:

NM_020778.5(ALPK3):c.1319G>A (p.Arg440Gln)

Gene: ALPK3 (alpha kinase 3; plus strand). Cytogenetic location: 15q25.3.
Variant type: single nucleotide variant.
Coding change: c.1319G>A on transcript NM_020778.5 (MANE Select); coding-DNA position 1319, G replaced by A.
Protein change: p.Arg440Gln; replaces arginine 440 with glutamine.
Molecular consequence: missense variant.
Genome position (GRCh38, 1-based): chr15:84,840,598, G>A. VCF-style: chr15-84840598-G-A. GRCh37 (hg19) VCF-style: chr15-85383829-G-A.
Other names: c.1925G>A (NM_020778.4); short protein forms R440Q.
Identifiers: ClinVar variation 2842834 (VCV002842834.4), dbSNP rs2505706434, ClinGen allele CA393375379.
Genomic context (GRCh38, chr15:84,840,598, plus strand): 5'-TGGAGAACACCCAGGCAGTCAGGCCTCTTGGGGAAGAGGGACCCCAGACCCTGAGTGTCC[G>A]GGCGCCTGGGGAGAGTCCCAAGGGGAAGGCACCCCTCAGGGCTAGAAGCGAGGGGGTGCC-3'
Protein context (NP_065829.4, residues 430-450): GEEGPQTLSV[Arg440Gln]APGESPKGKA

ClinVar aggregate classification (germline): Conflicting classifications of pathogenicity. Review status: criteria provided, conflicting classifications (1 of 4 stars). 2 submissions from 2 submitters: Uncertain significance (1); Likely benign (1). Last evaluated 2025-10-12.

Conditions:
Cardiovascular phenotype. Identifiers: MedGen CN230736.

Allele frequency attached by ClinVar (database versions not stated): gnomAD exomes below 0.00001.
gnomAD v4.1: 1 of 1,562,220 alleles (0.000064%); highest among the groups gnomAD compares: Non-Finnish European, 0.000086%; no homozygotes.

Submissions (2):

Ambry Genetics
Classification: Likely benign for Cardiovascular phenotype. Last evaluated: 2025-10-12. Review status: criteria provided, single submitter. Criteria: Ambry Variant Classification Scheme 2023. Collection method: clinical testing. Allele origin: germline.

Labcorp Genetics (formerly Invitae), Labcorp
Classification: Uncertain significance. Last evaluated: 2024-11-03. Review status: criteria provided, single submitter. Criteria: Invitae Variant Classification Sherloc (09022015). Collection method: clinical testing. Allele origin: germline.
Comment: This sequence change replaces arginine, which is basic and polar, with glutamine, which is neutral and polar, at codon 642 of the ALPK3 protein (p.Arg642Gln). This variant is not present in population databases (gnomAD no frequency). This variant has not been reported in the literature in individuals affected with ALPK3-related conditions. ClinVar contains an entry for this variant (Variation ID: 2842834). An algorithm developed to predict the effect of missense changes on protein structure and function outputs the following: PolyPhen-2: "Benign". The glutamine amino acid residue is found in multiple mammalian species, which suggests that this missense change does not adversely affect protein function. In summary, the available evidence is currently insufficient to determine the role of this variant in disease. Therefore, it has been classified as a Variant of Uncertain Significance.